The following is an entry in ClinVar:

NM_001379610.1(SPINK1):c.87+7A>T

Gene: SPINK1 (serine peptidase inhibitor Kazal type 1; minus strand). Cytogenetic location: 5q32.
Variant type: single nucleotide variant.
Coding change: c.87+7A>T on transcript NM_001379610.1 (MANE Select); 7 bases into the intron after coding-DNA position 87, A replaced by T.
Molecular consequence: intron variant.
Genome position (GRCh38, 1-based): chr5:147,829,592, T>A on the plus strand (A>T on the coding strand, the complement: SPINK1 is on the minus strand). VCF-style: chr5-147829592-T-A. GRCh37 (hg19) VCF-style: chr5-147209155-T-A.
Other names: c.87+7A>T (NM_003122.5, NM_001354966.2).
Identifiers: ClinVar variation 932204 (VCV000932204.11), dbSNP rs1756473313, ClinGen allele CA1139659134.
Genomic context (GRCh38, chr5:147,829,592, plus strand): 5'-AGGCTGCATTTTTGTTGGATCAAACTGTTCCAGTCTGAGAAATAAGAAATTACAAATATC[T>A]CTTTACCTCTCTTCCCAGGGAGTCAGCTCCAGTGTTACCTAGAAATAAATCAGATATGGT-3'

ClinVar aggregate classification (germline): Likely benign. Review status: criteria provided, multiple submitters, no conflicts (2 of 4 stars). 2 submissions from 2 submitters: Likely benign (2). Last evaluated 2025-04-30.

Conditions:
Hereditary pancreatitis (PCTT). Also called: Hereditary chronic pancreatitis; PRSS1-Related Hereditary Pancreatitis. Identifiers: Orphanet 676, MedGen C0238339, MONDO:0008185, OMIM 167800.

Allele frequency attached by ClinVar (database versions not stated): gnomAD exomes below 0.00001.

Submissions (2):

Women's Health and Genetics/Laboratory Corporation of America, LabCorp
Classification: Likely benign. Last evaluated: 2025-04-30. Review status: criteria provided, single submitter. Criteria: LabCorp Variant Classification Summary - May 2015. Collection method: clinical testing. Allele origin: germline.
Comment: Variant summary: SPINK1 c.87+7A>T alters a nucleotide located at a position not widely known to affect splicing. Consensus agreement among computation tools predict no significant impact on normal splicing. However, these predictions have yet to be confirmed by functional studies. The variant was absent in 249980 control chromosomes. The available data on variant occurrences in the general population are insufficient to allow any conclusion about variant significance. To our knowledge, no occurrence of c.87+7A>T in individuals affected with Chronic Pancreatitis Risk and no experimental evidence demonstrating its impact on protein function have been reported. ClinVar contains an entry for this variant (Variation ID: 932204). Based on the evidence outlined above, the variant was classified as likely benign.

Labcorp Genetics (formerly Invitae), Labcorp
Classification: Likely benign for Hereditary pancreatitis. Last evaluated: 2023-02-25. Review status: criteria provided, single submitter. Criteria: Invitae Variant Classification Sherloc (09022015). Collection method: clinical testing. Allele origin: germline.